The following is an entry in ClinVar:

NM_000815.5(GABRD):c.692-11T>A

Gene: GABRD (gamma-aminobutyric acid type A receptor subunit delta; plus strand). Cytogenetic location: 1p36.33.
Variant type: single nucleotide variant.
Coding change: c.692-11T>A on transcript NM_000815.5 (MANE Select); 11 bases into the intron before coding-DNA position 692, T replaced by A.
Molecular consequence: intron variant.
Genome position (GRCh38, 1-based): chr1:2,029,100, T>A. VCF-style: chr1-2029100-T-A. GRCh37 (hg19) VCF-style: chr1-1960539-T-A.
Identifiers: ClinVar variation 2663710 (VCV002663710.1), dbSNP rs1659011110, ClinGen allele CA2642697040.

ClinVar aggregate classification (germline): Uncertain significance (1 of 4 stars; one submission).

Allele frequency attached by ClinVar (database versions not stated): gnomAD exomes below 0.00001.
gnomAD v4.1: 1 of 1,539,754 alleles (0.000065%); highest among the groups gnomAD compares: Middle Eastern, 0.017%; no homozygotes.

Submission:

GeneDx
Classification: Uncertain significance. Last evaluated: 2023-04-19. Review status: criteria provided, single submitter. Criteria: GeneDx Variant Classification Process June 2021. Collection method: clinical testing. Allele origin: germline. Affected: yes.
Comment: Not observed at significant frequency in large population cohorts (gnomAD); In silico analysis supports a deleterious effect on splicing; Has not been previously published as pathogenic or benign to our knowledge